The following is an entry in ClinVar:

ClinVar aggregate classification (germline): Uncertain significance (1 of 4 stars; one submission).

Conditions:
Hereditary cancer-predisposing syndrome. Also called: Neoplastic Syndromes, Hereditary; Tumor predisposition; Hereditary neoplastic syndrome; Hereditary Cancer Syndrome. Identifiers: Orphanet 140162, MedGen C0027672, MeSH D009386, MONDO:0015356.

Submission:

Ambry Genetics
Classification: Uncertain significance for Hereditary cancer-predisposing syndrome. Last evaluated: 2018-01-23. Review status: criteria provided, single submitter. Criteria: Ambry Variant Classification Scheme 2023. Collection method: clinical testing. Allele origin: germline.
Comment: The p.E1111D variant (also known as c.3333A>T), located in coding exon 19 of the BRIP1 gene, results from an A to T substitution at nucleotide position 3333. The glutamic acid at codon 1111 is replaced by aspartic acid, an amino acid with highly similar properties. This amino acid position is well conserved in available vertebrate species. In addition, this alteration is predicted to be tolerated by in silico analysis. Since supporting evidence is limited at this time, the clinical significance of this alteration remains unclear.

NM_032043.3(BRIP1):c.3333A>T (p.Glu1111Asp)

Gene: BRIP1 (BRCA1 interacting DNA helicase 1; minus strand). Cytogenetic location: 17q23.2.
Variant type: single nucleotide variant.
Coding change: c.3333A>T on transcript NM_032043.3 (MANE Select); coding-DNA position 3333, A replaced by T.
Protein change: p.Glu1111Asp; replaces glutamic acid 1111 with aspartic acid.
Molecular consequence: missense variant.
Genome position (GRCh38, 1-based): chr17:61,683,713, T>A on the plus strand (A>T on the coding strand, the complement: BRIP1 is on the minus strand). VCF-style: chr17-61683713-T-A. GRCh37 (hg19) VCF-style: chr17-59761074-T-A.
Other names: short protein forms E1111D.
Identifiers: ClinVar variation 823618 (VCV000823618.4), dbSNP rs1603275210, ClinGen allele CA400478959.